The following is an entry in ClinVar:

NM_007190.4(SEC23IP):c.1102-7A>C

Gene: SEC23IP (SEC23 interacting protein; plus strand). Cytogenetic location: 10q26.12.
Variant type: single nucleotide variant.
Coding change: c.1102-7A>C on transcript NM_007190.4 (MANE Select); 7 bases into the intron before coding-DNA position 1102, A replaced by C.
Molecular consequence: intron variant.
Genome position (GRCh38, 1-based): chr10:119,909,034, A>C. VCF-style: chr10-119909034-A-C. GRCh37 (hg19) VCF-style: chr10-121668546-A-C.
Other names: c.1102-7A>C (NM_001411070.1).
Identifiers: ClinVar variation 3053192 (VCV003053192.2), dbSNP rs368006972, ClinGen allele CA5718451.

ClinVar aggregate classification (germline): Likely benign (0 of 4 stars; one submission).

Conditions:
SEC23IP-related disorder. Also called: SEC23IP-related condition.

Allele frequency attached by ClinVar (database versions not stated): gnomAD 0.00001; ExAC 0.00002; TOPMed 0.00002; ESP Exome Variant Server 0.00008.
gnomAD v4.1: 102 of 1,588,850 alleles (0.0064%); highest among the groups gnomAD compares: Non-Finnish European, 0.0078%; no homozygotes.

Submission:

PreventionGenetics, part of Exact Sciences
Classification: Likely benign for SEC23IP-related condition. Last evaluated: 2019-03-25. Review status: no assertion criteria provided. Collection method: clinical testing. Allele origin: germline.
Comment: This variant is classified as likely benign based on ACMG/AMP sequence variant interpretation guidelines (Richards et al. 2015 PMID: 25741868, with internal and published modifications).